The following is an entry in ClinVar:

NM_015557.3(CHD5):c.1836C>G (p.Ile612Met)

Gene: CHD5 (chromodomain helicase DNA binding protein 5; minus strand). Cytogenetic location: 1p36.31.
Variant type: single nucleotide variant.
Coding change: c.1836C>G on transcript NM_015557.3 (MANE Select); coding-DNA position 1836, C replaced by G.
Protein change: p.Ile612Met; replaces isoleucine 612 with methionine.
Molecular consequence: missense variant.
Genome position (GRCh38, 1-based): chr1:6,144,122, G>C on the plus strand (C>G on the coding strand, the complement: CHD5 is on the minus strand). VCF-style: chr1-6144122-G-C. GRCh37 (hg19) VCF-style: chr1-6204182-G-C.
Other names: c.1836C>G (NM_015557.2); short protein forms I612M.
Identifiers: ClinVar variation 4881822 (VCV004881822.3).
Genomic context (GRCh38, chr1:6,144,122, plus strand): 5'-GGGGATGTCGATGTCATCGATCTCCCAGGTGCACTGGTCGTAGGGCAGGTCTTTCCACTT[G>C]ATCAGGTAGTGCACATCCCCCTTCTTGTCAAAGCTGCAACACGGTGAACAGATGTGGGTC-3'
Protein context (NP_056372.1, residues 602-622): FDKKGDVHYL[Ile612Met]KWKDLPYDQC

ClinVar aggregate classification (germline): Conflicting classifications of pathogenicity. Review status: criteria provided, conflicting classifications (1 of 4 stars). 2 submissions from 2 submitters: Uncertain significance (1); Likely benign (1). Last evaluated 2026-05-11.

Conditions:
CHD5-related disorder. Also called: CHD5-related condition.

gnomAD v4.1: 325 of 1,614,072 alleles (0.02%); highest among the groups gnomAD compares: Non-Finnish European, 0.026%; no homozygotes.

Submissions (2):

PreventionGenetics, part of Exact Sciences
Classification: Likely benign for CHD5-related condition. Last evaluated: 2026-05-11. Review status: criteria provided, single submitter. Criteria: ACMG Guidelines, 2015. Collection method: clinical testing. Allele origin: germline.
Comment: This variant is classified as likely benign based on ACMG/AMP sequence variant interpretation guidelines (Richards et al. 2015 PMID: 25741868, with internal and published modifications).

Dasa
Classification: Uncertain significance. Last evaluated: 2025-12-17. Review status: criteria provided, single submitter. Criteria: DASA Assertion Criteria. Collection method: clinical testing. Allele origin: germline.
Comment: NM_015557.3(CHD5):c.1836C>G (p.Ile612Met) is a missense variant that results in the substitution of isoleucine with methionine. This variant is rare in population databases. Computational prediction algorithms are consistent with a deleterious effect. The currently available literature and clinical evidence are not sufficient to establish a definitive association between this variant and the reported condition. Therefore, this variant is classified as a variant of uncertain significance.